The following is an entry in ClinVar:

ClinVar aggregate classification (germline): Uncertain significance (1 of 4 stars; one submission).

Allele frequency attached by ClinVar (database versions not stated): gnomAD 0.00001; ESP Exome Variant Server 0.00008.
gnomAD v4.1: 4 of 1,607,298 alleles (0.00025%); highest among the groups gnomAD compares: South Asian, 0.0011%; no homozygotes.

Submission:

Labcorp Genetics (formerly Invitae), Labcorp
Classification: Uncertain significance. Last evaluated: 2021-08-26. Review status: criteria provided, single submitter. Criteria: Invitae Variant Classification Sherloc (09022015). Collection method: clinical testing. Allele origin: germline.
Comment: This sequence change replaces serine with tryptophan at codon 2559 of the SPEG protein (p.Ser2559Trp). The serine residue is highly conserved and there is a large physicochemical difference between serine and tryptophan. This variant is not present in population databases (ExAC no frequency). This variant has not been reported in the literature in individuals affected with SPEG-related conditions. Algorithms developed to predict the effect of missense changes on protein structure and function are either unavailable or do not agree on the potential impact of this missense change (SIFT: "Deleterious"; PolyPhen-2: "Possibly Damaging"; Align-GVGD: "Class C0"). In summary, the available evidence is currently insufficient to determine the role of this variant in disease. Therefore, it has been classified as a Variant of Uncertain Significance.

NM_005876.5(SPEG):c.7676C>G (p.Ser2559Trp)

Genes: ASIC4-AS1 (ASIC4 antisense RNA 1; minus strand), SPEG (striated muscle enriched protein kinase; plus strand). Cytogenetic location: 2q35.
Variant type: single nucleotide variant.
Coding change: c.7676C>G on transcript NM_005876.5 (MANE Select); coding-DNA position 7676, C replaced by G.
Protein change: p.Ser2559Trp; replaces serine 2559 with tryptophan.
Molecular consequence: missense variant.
Genome position (GRCh38, 1-based): chr2:219,485,412, C>G. VCF-style: chr2-219485412-C-G. GRCh37 (hg19) VCF-style: chr2-220350134-C-G.
Other names: short protein forms S2559W.
Identifiers: ClinVar variation 1425525 (VCV001425525.5), dbSNP rs375369894, ClinGen allele CA65993476.
Genomic context (GRCh38, chr2:219,485,412, plus strand): 5'-GGGAAAGCCGAAGCCGGCTCCGCTGGGGCTTCTCTCGGCCGCGGAAGGACAAGGGGTTAT[C>G]GCCACCAAACCTCTCTGCCAGCGTCCAGGAGGAGTTGGGTCACCAGTACGTGCGCAGTGA-3'
Protein context (NP_005867.3, residues 2549-2569): FSRPRKDKGL[Ser2559Trp]PPNLSASVQE